The following is an entry in ClinVar:

ClinVar aggregate classification (germline): Uncertain significance (1 of 4 stars; one submission).

Submission:

GeneDx
Classification: Uncertain significance. Last evaluated: 2024-07-17. Review status: criteria provided, single submitter. Criteria: GeneDx Variant Classification Process June 2021. Collection method: clinical testing. Allele origin: germline.
Comment: Not observed at significant frequency in large population cohorts (gnomAD); In silico analysis indicates that this missense variant does not alter protein structure/function; Has not been previously published as pathogenic or benign to our knowledge

NM_014515.7(CNOT2):c.917G>T (p.Gly306Val)

Gene: CNOT2 (CCR4-NOT transcription complex subunit 2; plus strand). Cytogenetic location: 12q15.
Variant type: single nucleotide variant.
Coding change: c.917G>T on transcript NM_014515.7 (MANE Select); coding-DNA position 917, G replaced by T.
Protein change: p.Gly306Val; replaces glycine 306 with valine.
Molecular consequence: missense variant. On other transcripts: non-coding transcript variant (1).
Genome position (GRCh38, 1-based): chr12:70,338,459, G>T. VCF-style: chr12-70338459-G-T. GRCh37 (hg19) VCF-style: chr12-70732239-G-T.
Other names: c.917G>T, p.Gly306Val (NM_001199302.2, NM_001199303.2, NM_001414651.1 and 1 more transcripts); c.890G>T, p.Gly297Val (NM_001414653.1, NM_001414654.1, NM_001414655.1); c.875G>T, p.Gly292Val (NM_001414656.1); c.857G>T, p.Gly286Val (NM_001414657.1, NM_001414658.1, NM_001414659.1 and 1 more transcripts); c.794G>T, p.Gly265Val (NM_001414661.1); c.734G>T, p.Gly245Val (NM_001414662.1); short protein forms G245V, G265V, G286V, G292V, G297V, G306V.
Identifiers: ClinVar variation 2662899 (VCV002662899.2), dbSNP rs1881000419, ClinGen allele CA385909852.